The following is an entry in ClinVar:

ClinVar aggregate classification (germline): Likely benign. Review status: criteria provided, multiple submitters, no conflicts (2 of 4 stars). 6 submissions from 6 submitters: Likely benign (6). Last evaluated 2025-07-30.

Conditions:
Cardiovascular phenotype. Identifiers: MedGen CN230736.
Lethal congenital glycogen storage disease of heart. Also called: GLYCOGEN STORAGE DISEASE OF HEART; PHOSPHORYLASE KINASE DEFICIENCY OF HEART. Identifiers: Orphanet 439854, MedGen C1849813, MONDO:0009867, OMIM 261740.
Hypertrophic cardiomyopathy 6. Identifiers: MedGen C1833236, MONDO:0010946, OMIM 600858.
Wolff-Parkinson-White pattern. Also called: Auriculoventricular accessory pathway syndrome; False bundle branch block syndrome; Anomalous ventricular excitation syndrome; WPW SYNDROME. Identifiers: MedGen C0043202, MONDO:0008685, OMIM 194200, HP:0001716.
Hypertrophic cardiomyopathy. Also called: HYPERTROPHIC MYOCARDIOPATHY. Identifiers: Orphanet 217569, MedGen C0007194, MeSH D002312, MONDO:0005045, HP:0001639.
Cardiomyopathy (CMYO). Also called: Cardiomyopathies. Identifiers: Orphanet 167848, MedGen C0878544, MONDO:0004994, HP:0001638. Inheritance: Various modes of inheritance.

Allele frequency attached by ClinVar (database versions not stated): gnomAD 0.00003; gnomAD exomes 0.00003 and 0.00009; ExAC 0.00006; TOPMed 0.00006.
gnomAD v4.1: 49 of 1,613,914 alleles (0.003%); highest among the groups gnomAD compares: Admixed American, 0.038%; no homozygotes.

Submissions (6):

Labcorp Genetics (formerly Invitae), Labcorp
Classification: Likely benign for Lethal congenital glycogen storage disease of heart. Last evaluated: 2025-07-30. Review status: criteria provided, single submitter. Criteria: Invitae Variant Classification Sherloc (09022015). Collection method: clinical testing. Allele origin: germline.

All of Us Research Program, National Institutes of Health
Classification: Likely benign for Hypertrophic cardiomyopathy. Last evaluated: 2023-10-27. Review status: criteria provided, single submitter. Criteria: ACMG Guidelines, 2015. Collection method: clinical testing. Allele origin: germline. Inheritance: Autosomal dominant inheritance. Observed: 8 variant alleles, 8 heterozygotes.
Comment: This study involves interpretation of variants in research participants for the purpose of population health screening. Participant phenotype was not available at the time of variant classification. Additional details can be found in publication PMID: 35346344, PMCID: PMC8962531

Blueprint Genetics
Classification: Likely benign. Last evaluated: 2022-12-13. Review status: criteria provided, single submitter. Criteria: ACMG Guidelines, 2015. Collection method: clinical testing. Allele origin: germline.

Fulgent Genetics
Classification: Likely benign for Wolff-Parkinson-White pattern; Lethal congenital glycogen storage disease of heart; Hypertrophic cardiomyopathy 6. Last evaluated: 2021-09-29. Review status: criteria provided, single submitter. Criteria: ACMG Guidelines, 2015. Collection method: clinical testing. Allele origin: unknown.

Ambry Genetics
Classification: Likely benign for Cardiovascular phenotype. Last evaluated: 2019-08-27. Review status: criteria provided, single submitter. Criteria: Ambry Variant Classification Scheme 2023. Collection method: clinical testing. Allele origin: germline.

Color Diagnostics, LLC DBA Color Health
Classification: Likely benign for Cardiomyopathy. Last evaluated: 2019-02-28. Review status: criteria provided, single submitter. Criteria: ACMG Guidelines, 2015. Collection method: clinical testing. Allele origin: germline.

NM_016203.4(PRKAG2):c.297C>T (p.Pro99=)

Gene: PRKAG2 (protein kinase AMP-activated non-catalytic subunit gamma 2; minus strand). Cytogenetic location: 7q36.1.
Variant type: single nucleotide variant.
Coding change: c.297C>T on transcript NM_016203.4 (MANE Select); coding-DNA position 297, C replaced by T.
Protein change: p.Pro99=; no amino-acid change (proline 99 retained).
Molecular consequence: synonymous variant.
Genome position (GRCh38, 1-based): chr7:151,781,321, G>A on the plus strand (C>T on the coding strand, the complement: PRKAG2 is on the minus strand). VCF-style: chr7-151781321-G-A. GRCh37 (hg19) VCF-style: chr7-151478407-G-A.
Other names: c.165C>T, p.Pro55= (NM_001040633.2).
Identifiers: ClinVar variation 695734 (VCV000695734.20), dbSNP rs767950372, ClinGen allele CA056676.